The following is an entry in ClinVar:

NM_000489.6(ATRX):c.4279C>T (p.Arg1427Cys)

Gene: ATRX (ATRX chromatin remodeler; minus strand). Cytogenetic location: Xq21.1.
Variant type: single nucleotide variant.
Coding change: c.4279C>T on transcript NM_000489.6 (MANE Select); coding-DNA position 4279, C replaced by T.
Protein change: p.Arg1427Cys; replaces arginine 1427 with cysteine.
Molecular consequence: missense variant.
Genome position (GRCh38, 1-based): chrX:77,654,136, G>A on the plus strand (C>T on the coding strand, the complement: ATRX is on the minus strand). VCF-style: chrX-77654136-G-A. GRCh37 (hg19) VCF-style: chrX-76909626-G-A.
Other names: c.4165C>T, p.Arg1389Cys (NM_138270.5); short protein forms R1427C, R1389C.
Identifiers: ClinVar variation 2718541 (VCV002718541.1), dbSNP rs2148450616, ClinGen allele CA413709368.

ClinVar aggregate classification (germline): Uncertain significance (1 of 4 stars; one submission).

Conditions:
Alpha thalassemia-X-linked intellectual disability syndrome (ATRX). Also called: ALPHA-THALASSEMIA/MENTAL RETARDATION SYNDROME, X-LINKED; ATR, NONDELETION TYPE; ATR-X syndrome; Alpha thalassemia mental retardation syndrome, nondeletion type, X-linked; XLMR hypotonic face syndrome; X-linked alpha-thalassemia-mental retardation syndrome. Identifiers: Orphanet 847, MedGen C1845055, MONDO:0010519, OMIM 301040.

Allele frequency attached by ClinVar (database versions not stated): gnomAD exomes below 0.00001.
gnomAD v4.1: 2 of 1,209,710 alleles (0.00017%); highest among the groups gnomAD compares: Non-Finnish European, 0.00022%; no homozygotes.

Submission:

Labcorp Genetics (formerly Invitae), Labcorp
Classification: Uncertain significance for Alpha thalassemia-X-linked intellectual disability syndrome. Last evaluated: 2022-12-18. Review status: criteria provided, single submitter. Criteria: Invitae Variant Classification Sherloc (09022015). Collection method: clinical testing. Allele origin: germline.
Comment: This variant is not present in population databases (gnomAD no frequency). In summary, the available evidence is currently insufficient to determine the role of this variant in disease. Therefore, it has been classified as a Variant of Uncertain Significance. Advanced modeling of protein sequence and biophysical properties (such as structural, functional, and spatial information, amino acid conservation, physicochemical variation, residue mobility, and thermodynamic stability) performed at Invitae indicates that this missense variant is not expected to disrupt ATRX protein function. This variant has not been reported in the literature in individuals affected with ATRX-related conditions. This sequence change replaces arginine, which is basic and polar, with cysteine, which is neutral and slightly polar, at codon 1427 of the ATRX protein (p.Arg1427Cys).